The following is an entry in ClinVar:

ClinVar aggregate classification (germline): Pathogenic/Likely pathogenic. Review status: criteria provided, multiple submitters, no conflicts (2 of 4 stars). 3 submissions from 3 submitters: Pathogenic (1); Likely pathogenic (1). 1 of the submissions does not count toward it. Last evaluated 2024-10-21.

Conditions:
BEST1-related disorder. Also called: BEST1-related disorders; BEST1-related condition. Identifiers: MedGen CN239200.

Submissions (3):

Labcorp Genetics (formerly Invitae), Labcorp
Classification: Pathogenic. Last evaluated: 2024-10-21. Review status: criteria provided, single submitter. Criteria: Invitae Variant Classification Sherloc (09022015). Collection method: clinical testing. Allele origin: germline.
Comment: This sequence change replaces cysteine, which is neutral and slightly polar, with tryptophan, which is neutral and slightly polar, at codon 221 of the BEST1 protein (p.Cys221Trp). This variant is not present in population databases (gnomAD no frequency). This missense change has been observed in individual(s) with autosomal dominant Best macular dystrophy (PMID: 10682987). In at least one individual the variant was observed to be de novo. ClinVar contains an entry for this variant (Variation ID: 99738). Invitae Evidence Modeling of protein sequence and biophysical properties (such as structural, functional, and spatial information, amino acid conservation, physicochemical variation, residue mobility, and thermodynamic stability) indicates that this missense variant is expected to disrupt BEST1 protein function with a positive predictive value of 95%. For these reasons, this variant has been classified as Pathogenic.

Blueprint Genetics
Classification: Likely pathogenic for BEST1-related disorders. Last evaluated: 2022-08-24. Review status: criteria provided, single submitter. Criteria: ACMG Guidelines, 2015. Collection method: clinical testing. Allele origin: germline. Affected: yes. Observed: 1 variant allele.

Retina International
No classification provided. Review status: no classification provided. Collection method: not provided. Allele origin: not provided. Not counted in ClinVar's aggregate classification.

Literature cited by the submitters: PubMed 10682987 (cited by Labcorp Genetics (formerly Invitae), Labcorp).

NM_004183.4(BEST1):c.663T>G (p.Cys221Trp)

Gene: BEST1 (bestrophin 1; plus strand). Cytogenetic location: 11q12.3.
Variant type: single nucleotide variant.
Coding change: c.663T>G on transcript NM_004183.4 (MANE Select); coding-DNA position 663, T replaced by G.
Protein change: p.Cys221Trp; replaces cysteine 221 with tryptophan.
Molecular consequence: missense variant. On other transcripts: non-coding transcript variant (1).
Genome position (GRCh38, 1-based): chr11:61,957,413, T>G. VCF-style: chr11-61957413-T-G. GRCh37 (hg19) VCF-style: chr11-61724885-T-G.
Other names: c.-513T>G (NM_001363593.3); c.483T>G, p.Cys161Trp (NM_001139443.3, NM_001300786.2, NM_001300787.2); c.345T>G, p.Cys115Trp (NM_001363591.3); c.663T>G, p.Cys221Trp (NM_001363592.2); short protein forms C221W, C115W, C161W.
Identifiers: ClinVar variation 99738 (VCV000099738.6), dbSNP rs281865240, ClinGen allele CA227799.